The following is an entry in ClinVar:

ClinVar aggregate classification (germline): Likely benign (0 of 4 stars; one submission).

Conditions:
KIAA0319-related disorder. Also called: KIAA0319-related condition.

Allele frequency attached by ClinVar (database versions not stated): ExAC 0.00017.
gnomAD v4.1: 126 of 1,534,992 alleles (0.0082%); highest among the groups gnomAD compares: African/African-American, 0.16%; no homozygotes.

Submission:

PreventionGenetics, part of Exact Sciences
Classification: Likely benign for KIAA0319-related condition. Last evaluated: 2019-07-12. Review status: no assertion criteria provided. Collection method: clinical testing. Allele origin: germline.
Comment: This variant is classified as likely benign based on ACMG/AMP sequence variant interpretation guidelines (Richards et al. 2015 PMID: 25741868, with internal and published modifications).

NM_014809.4(KIAA0319):c.55+398G>T

Gene: KIAA0319 (KIAA0319; minus strand). Cytogenetic location: 6p22.3.
Variant type: single nucleotide variant.
Coding change: c.55+398G>T on transcript NM_014809.4 (MANE Select); 398 bases into the intron after coding-DNA position 55, G replaced by T.
Molecular consequence: intron variant. On other transcripts: 5 prime UTR variant (1).
Genome position (GRCh38, 1-based): chr6:24,600,651, C>A on the plus strand (G>T on the coding strand, the complement: KIAA0319 is on the minus strand). VCF-style: chr6-24600651-C-A. GRCh37 (hg19) VCF-style: chr6-24600879-C-A.
Other names: c.-5G>T (NM_001168374.2); c.-80-4033G>T (NM_001350406.2, NM_001168376.2); c.-206+398G>T (NM_001350409.2, NM_001350410.2); c.55+398G>T (NM_001350407.2, NM_001350403.2, NM_001168377.2 and 3 more transcripts); c.38-4033G>T (NM_001350404.2).
Identifiers: ClinVar variation 3050380 (VCV003050380.2), dbSNP rs766972047, ClinGen allele CA3657933.